The following is an entry in ClinVar:

ClinVar aggregate classification (germline): Uncertain significance (1 of 4 stars; one submission).

Conditions:
Cardiovascular phenotype. Identifiers: MedGen CN230736.

Allele frequency attached by ClinVar (database versions not stated): ExAC 0.00001; gnomAD exomes 0.00001.
gnomAD v4.1: 3 of 1,614,060 alleles (0.00019%); highest among the groups gnomAD compares: Non-Finnish European, 0.00025%; no homozygotes.

Submission:

Ambry Genetics
Classification: Uncertain significance for Cardiovascular phenotype. Last evaluated: 2020-08-20. Review status: criteria provided, single submitter. Criteria: Ambry Variant Classification Scheme 2023. Collection method: clinical testing. Allele origin: germline.
Comment: The p.E462V variant (also known as c.1385A>T), located in coding exon 10 of the NEXN gene, results from an A to T substitution at nucleotide position 1385. The glutamic acid at codon 462 is replaced by valine, an amino acid with dissimilar properties. This amino acid position is well conserved in available vertebrate species. In addition, the in silico prediction for this alteration is inconclusive. Since supporting evidence is limited at this time, the clinical significance of this alteration remains unclear.

NM_144573.4(NEXN):c.1385A>T (p.Glu462Val)

Gene: NEXN (nexilin F-actin binding protein; plus strand). Cytogenetic location: 1p31.1.
Variant type: single nucleotide variant.
Coding change: c.1385A>T on transcript NM_144573.4 (MANE Select); coding-DNA position 1385, A replaced by T.
Protein change: p.Glu462Val; replaces glutamic acid 462 with valine.
Molecular consequence: missense variant.
Genome position (GRCh38, 1-based): chr1:77,935,956, A>T. VCF-style: chr1-77935956-A-T. GRCh37 (hg19) VCF-style: chr1-78401641-A-T.
Other names: c.1193A>T, p.Glu398Val (NM_001172309.2); short protein forms E398V, E462V.
Identifiers: ClinVar variation 1771371 (VCV001771371.2), dbSNP rs750637324, ClinGen allele CA918867.